The following is an entry in ClinVar:

ClinVar aggregate classification (germline): Uncertain significance (1 of 4 stars; one submission).

Conditions:
Familial thoracic aortic aneurysm and aortic dissection (TAAD). Also called: Thoracic aortic aneurysms and dissections. Identifiers: Orphanet 91387, MedGen C4707243, MONDO:0019625.

Submission:

Labcorp Genetics (formerly Invitae), Labcorp
Classification: Uncertain significance for Familial thoracic aortic aneurysm and aortic dissection. Last evaluated: 2026-01-20. Review status: criteria provided, single submitter. Criteria: Invitae Variant Classification Sherloc (09022015). Collection method: clinical testing. Allele origin: germline.
Comment: This sequence change replaces tyrosine, which is neutral and polar, with cysteine, which is neutral and slightly polar, at codon 295 of the TGFBR1 protein (p.Tyr295Cys). This variant is not present in population databases (gnomAD no frequency). This variant has not been reported in the literature in individuals affected with TGFBR1-related conditions. Invitae Evidence Modeling of protein sequence and biophysical properties (such as structural, functional, and spatial information, amino acid conservation, physicochemical variation, residue mobility, and thermodynamic stability) indicates that this missense variant is not expected to disrupt TGFBR1 protein function with a negative predictive value of 80%. In summary, the available evidence is currently insufficient to determine the role of this variant in disease. Therefore, it has been classified as a Variant of Uncertain Significance.

NM_004612.4(TGFBR1):c.884A>G (p.Tyr295Cys)

Gene: TGFBR1 (transforming growth factor beta receptor 1; plus strand). Cytogenetic location: 9q22.33.
Variant type: single nucleotide variant.
Coding change: c.884A>G on transcript NM_004612.4 (MANE Select); coding-DNA position 884, A replaced by G.
Protein change: p.Tyr295Cys; replaces tyrosine 295 with cysteine.
Molecular consequence: missense variant. On other transcripts: non-coding transcript variant (4), intron variant (2).
Genome position (GRCh38, 1-based): chr9:99,142,614, A>G. VCF-style: chr9-99142614-A-G. GRCh37 (hg19) VCF-style: chr9-101904896-A-G.
Other names: c.653A>G, p.Tyr218Cys (NM_001130916.3, NM_001407435.1); c.896A>G, p.Tyr299Cys (NM_001306210.2); c.689A>G, p.Tyr230Cys (NM_001407418.1, NM_001407419.1, NM_001407420.1 and 1 more transcripts); c.677A>G, p.Tyr226Cys (NM_001407423.1, NM_001407424.1, NM_001407425.1 and 8 more transcripts); c.638A>G, p.Tyr213Cys (NM_001407436.1); c.176A>G, p.Tyr59Cys (NM_001407437.1); c.407A>G, p.Tyr136Cys (NM_001407438.1); c.818-2118A>G (NM_001407416.1); and 1 more; short protein forms Y136C, Y213C, Y218C, Y226C, Y230C, Y295C, Y299C, Y59C.
Identifiers: ClinVar variation 4798693 (VCV004798693.1).
Genomic context (GRCh38, chr9:99,142,614, plus strand): 5'-AGCTCTGGTTGGTGTCAGATTATCATGAGCATGGATCCCTTTTTGATTACTTAAACAGAT[A>G]CACAGTTACTGTGGAAGGAATGATAAAACTTGCTCTGTCCACGGCGAGCGGTCTTGCCCA-3'
Protein context (NP_004603.1, residues 285-305): HGSLFDYLNR[Tyr295Cys]TVTVEGMIKL